The following is an entry in ClinVar:

NM_014000.3(VCL):c.1872+197G>C

Gene: VCL (vinculin; plus strand). Cytogenetic location: 10q22.2.
Variant type: single nucleotide variant.
Coding change: c.1872+197G>C on transcript NM_014000.3 (MANE Select); 197 bases into the intron after coding-DNA position 1872, G replaced by C.
Molecular consequence: intron variant.
Genome position (GRCh38, 1-based): chr10:74,097,529, G>C. VCF-style: chr10-74097529-G-C. GRCh37 (hg19) VCF-style: chr10-75857287-G-C.
Other names: c.1872+197G>C (NM_003373.4).
Identifiers: ClinVar variation 675385 (VCV000675385.2), dbSNP rs12243178, ClinGen allele CA209704466.

ClinVar aggregate classification (germline): Benign. Review status: criteria provided, multiple submitters, no conflicts (2 of 4 stars). 2 submissions from 2 submitters: Benign (2). Last evaluated 2018-06-14.

Allele frequency attached by ClinVar (database versions not stated): gnomAD 0.05041 and 0.05370; TOPMed 0.05735; 1000 Genomes Project 0.06250; 1000 Genomes Project 30x 0.06730.
gnomAD v4.1: 7,593 of 152,242 alleles (5%); highest among the groups gnomAD compares: African/African-American, 17%; 655 homozygotes.

Submissions (2):

GeneDx
Classification: Benign. Last evaluated: 2018-06-14. Review status: criteria provided, single submitter. Criteria: GeneDx Variant Classification (06012015). Collection method: clinical testing. Allele origin: germline. Affected: yes.
Comment: This variant is considered likely benign or benign based on one or more of the following criteria: it is a conservative change, it occurs at a poorly conserved position in the protein, it is predicted to be benign by multiple in silico algorithms, and/or has population frequency not consistent with disease.

Breakthrough Genomics
Classification: Benign. Review status: criteria provided, single submitter. Criteria: ACMG Guidelines, 2015. Collection method: not provided. Allele origin: germline. Inheritance: Autosomal dominant inheritance. Affected: yes.